The following is an entry in ClinVar:

NM_015107.3(PHF8):c.2636A>T (p.Lys879Met)

Gene: PHF8 (PHD finger protein 8; minus strand). Cytogenetic location: Xp11.22.
Variant type: single nucleotide variant.
Coding change: c.2636A>T on transcript NM_015107.3 (MANE Select); coding-DNA position 2636, A replaced by T.
Protein change: p.Lys879Met; replaces lysine 879 with methionine.
Molecular consequence: missense variant.
Genome position (GRCh38, 1-based): chrX:53,944,147, T>A on the plus strand (A>T on the coding strand, the complement: PHF8 is on the minus strand). VCF-style: chrX-53944147-T-A. GRCh37 (hg19) VCF-style: chrX-53970580-T-A.
Other names: c.2744A>T, p.Lys915Met (NM_001184896.1); c.2333A>T, p.Lys778Met (NM_001184897.2); c.2585A>T, p.Lys862Met (NM_001184898.2); short protein forms K778M, K862M, K879M, K915M.
Identifiers: ClinVar variation 1699757 (VCV001699757.2), dbSNP rs2149772891, ClinGen allele CA413241696.

ClinVar aggregate classification (germline): Uncertain significance (1 of 4 stars; one submission).

Submission:

GeneDx
Classification: Uncertain significance. Last evaluated: 2022-01-11. Review status: criteria provided, single submitter. Criteria: GeneDx Variant Classification Process June 2021. Collection method: clinical testing. Allele origin: germline. Affected: yes.
Comment: Not observed at significant frequency in large population cohorts (gnomAD); In silico analysis supports that this missense variant has a deleterious effect on protein structure/function; Has not been previously published as pathogenic or benign to our knowledge